The following is an entry in ClinVar:

NM_020937.4(FANCM):c.254A>G (p.Tyr85Cys)

Gene: FANCM (FA complementation group M; plus strand). Cytogenetic location: 14q21.2.
Variant type: single nucleotide variant.
Coding change: c.254A>G on transcript NM_020937.4 (MANE Select); coding-DNA position 254, A replaced by G.
Protein change: p.Tyr85Cys; replaces tyrosine 85 with cysteine.
Molecular consequence: missense variant.
Genome position (GRCh38, 1-based): chr14:45,136,285, A>G. VCF-style: chr14-45136285-A-G. GRCh37 (hg19) VCF-style: chr14-45605488-A-G.
Other names: c.254A>G, p.Tyr85Cys (NM_001308133.2, NM_001308134.2); short protein forms Y85C.
Identifiers: ClinVar variation 526321 (VCV000526321.8), dbSNP rs1555358445, ClinGen allele CA389587595.

ClinVar aggregate classification (germline): Uncertain significance (1 of 4 stars; one submission).

Conditions:
Fanconi anemia (FA). Also called: Fanconi's anemia. Identifiers: Orphanet 84, MedGen C0015625, MeSH D005199, MONDO:0019391.

Submission:

Labcorp Genetics (formerly Invitae), Labcorp
Classification: Uncertain significance for Fanconi anemia. Last evaluated: 2017-08-24. Review status: criteria provided, single submitter. Criteria: Invitae Variant Classification Sherloc (09022015). Collection method: clinical testing. Allele origin: germline.
Comment: In summary, the available evidence is currently insufficient to determine the role of this variant in disease. Therefore, it has been classified as a Variant of Uncertain Significance. Algorithms developed to predict the effect of missense changes on protein structure and function do not agree on the potential impact of this missense change (SIFT: "Deleterious"; PolyPhen-2: "Possibly Damaging"; Align-GVGD: "Class C0"). This variant has not been reported in the literature in individuals with FANCM-related disease. This variant is not present in population databases (ExAC no frequency). This sequence change replaces tyrosine with cysteine at codon 85 of the FANCM protein (p.Tyr85Cys). The tyrosine residue is moderately conserved and there is a large physicochemical difference between tyrosine and cysteine.